The following is an entry in ClinVar:

ClinVar aggregate classification (germline): Uncertain significance (1 of 4 stars; one submission).

Conditions:
Hereditary cancer-predisposing syndrome. Also called: Tumor predisposition; Neoplastic Syndromes, Hereditary; Hereditary Cancer Syndrome; Hereditary neoplastic syndrome. Identifiers: Orphanet 140162, MedGen C0027672, MeSH D009386, MONDO:0015356.

Submission:

Ambry Genetics
Classification: Uncertain significance for Hereditary cancer-predisposing syndrome. Last evaluated: 2024-09-16. Review status: criteria provided, single submitter. Criteria: Ambry Variant Classification Scheme 2023. Collection method: clinical testing. Allele origin: germline.
Comment: The p.Y508F variant (also known as c.1523A>T), located in coding exon 10 of the BRIP1 gene, results from an A to T substitution at nucleotide position 1523. The tyrosine at codon 508 is replaced by phenylalanine, an amino acid with highly similar properties. This amino acid position is conserved. In addition, this alteration is predicted to be tolerated by in silico analysis. Based on the available evidence, the clinical significance of this variant remains unclear.

NM_032043.3(BRIP1):c.1523A>T (p.Tyr508Phe)

Gene: BRIP1 (BRCA1 interacting DNA helicase 1; minus strand). Cytogenetic location: 17q23.2.
Variant type: single nucleotide variant.
Coding change: c.1523A>T on transcript NM_032043.3 (MANE Select); coding-DNA position 1523, A replaced by T.
Protein change: p.Tyr508Phe; replaces tyrosine 508 with phenylalanine.
Molecular consequence: missense variant.
Genome position (GRCh38, 1-based): chr17:61,784,375, T>A on the plus strand (A>T on the coding strand, the complement: BRIP1 is on the minus strand). VCF-style: chr17-61784375-T-A. GRCh37 (hg19) VCF-style: chr17-59861736-T-A.
Other names: short protein forms Y508F.
Identifiers: ClinVar variation 3482448 (VCV003482448.1).
Genomic context (GRCh38, chr17:61,784,375, plus strand): 5'-TTAAGCATTATTTGAGTTGATGCACTAATAACAGGTACTTCTCTTGCCTCCTCTTTACCA[T>A]AAATTGGTGAGATTTTTTCCTCTTTTTGAAGAACAGCAGAAAAATGTCCCTATAAGAAAT-3'
Protein context (NP_114432.2, residues 498-518): LQKEEKISPI[Tyr508Phe]GKEEAREVPV